The following is an entry in ClinVar:

NM_001291303.3(FAT4):c.8383C>T (p.Arg2795Cys)

Gene: FAT4 (FAT atypical cadherin 4; plus strand). Cytogenetic location: 4q28.1.
Variant type: single nucleotide variant.
Coding change: c.8383C>T on transcript NM_001291303.3 (MANE Select); coding-DNA position 8383, C replaced by T.
Protein change: p.Arg2795Cys; replaces arginine 2795 with cysteine.
Molecular consequence: missense variant.
Genome position (GRCh38, 1-based): chr4:125,449,393, C>T. VCF-style: chr4-125449393-C-T. GRCh37 (hg19) VCF-style: chr4-126370548-C-T.
Other names: c.8383C>T, p.Arg2795Cys (NM_001291285.3); c.8377C>T, p.Arg2793Cys (NM_024582.6); short protein forms R2793C, R2795C.
Identifiers: ClinVar variation 1935672 (VCV001935672.4), dbSNP rs755463819, ClinGen allele CA3073362.

ClinVar aggregate classification (germline): Uncertain significance (1 of 4 stars; one submission).

Allele frequency attached by ClinVar (database versions not stated): gnomAD exomes 0.00001; ExAC 0.00003.
gnomAD v4.1: 9 of 1,613,522 alleles (0.00056%); highest among the groups gnomAD compares: South Asian, 0.0033%; no homozygotes.

Submission:

Labcorp Genetics (formerly Invitae), Labcorp
Classification: Uncertain significance. Last evaluated: 2026-01-19. Review status: criteria provided, single submitter. Criteria: Invitae Variant Classification Sherloc (09022015). Collection method: clinical testing. Allele origin: germline.
Comment: This sequence change replaces arginine, which is basic and polar, with cysteine, which is neutral and slightly polar, at codon 2793 of the FAT4 protein (p.Arg2793Cys). This variant is present in population databases (rs755463819, gnomAD 0.007%). This variant has not been reported in the literature in individuals affected with FAT4-related conditions. ClinVar contains an entry for this variant (Variation ID: 1935672). Invitae Evidence Modeling of protein sequence and biophysical properties (such as structural, functional, and spatial information, amino acid conservation, physicochemical variation, residue mobility, and thermodynamic stability) indicates that this missense variant is expected to disrupt FAT4 protein function with a positive predictive value of 80%. In summary, the available evidence is currently insufficient to determine the role of this variant in disease. Therefore, it has been classified as a Variant of Uncertain Significance.